The following is an entry in ClinVar:

NM_004304.5(ALK):c.1283G>A (p.Gly428Glu)

Gene: ALK (ALK receptor tyrosine kinase; minus strand). Cytogenetic location: 2p23.2.
Variant type: single nucleotide variant.
Coding change: c.1283G>A on transcript NM_004304.5 (MANE Select); coding-DNA position 1283, G replaced by A.
Protein change: p.Gly428Glu; replaces glycine 428 with glutamic acid.
Molecular consequence: missense variant.
Genome position (GRCh38, 1-based): chr2:29,328,481, C>T on the plus strand (G>A on the coding strand, the complement: ALK is on the minus strand). VCF-style: chr2-29328481-C-T. GRCh37 (hg19) VCF-style: chr2-29551347-C-T.
Other names: c.1283G>A (NM_004304.4); short protein forms G428E.
Identifiers: ClinVar variation 1970141 (VCV001970141.6), dbSNP rs372472978, ClinGen allele CA44664876.

ClinVar aggregate classification (germline): Uncertain significance. Review status: criteria provided, multiple submitters, no conflicts (2 of 4 stars). 2 submissions from 2 submitters: Uncertain significance (2). Last evaluated 2025-11-10.

Conditions:
Neuroblastoma, susceptibility to, 3. Also called: ALK-Related Neuroblastic Tumor Susceptibility. Identifiers: Orphanet 635, MedGen C2751681, MONDO:0013083, OMIM 613014.
Hereditary cancer-predisposing syndrome. Also called: Hereditary neoplastic syndrome; Neoplastic Syndromes, Hereditary; Tumor predisposition; Hereditary Cancer Syndrome. Identifiers: Orphanet 140162, MedGen C0027672, MeSH D009386, MONDO:0015356.

Allele frequency attached by ClinVar (database versions not stated): gnomAD exomes below 0.00001; ESP Exome Variant Server 0.00008.
gnomAD v4.1: 6 of 1,614,054 alleles (0.00037%); highest among the groups gnomAD compares: Non-Finnish European, 0.00051%; no homozygotes.

Submissions (2):

Labcorp Genetics (formerly Invitae), Labcorp
Classification: Uncertain significance for Neuroblastoma, susceptibility to, 3. Last evaluated: 2025-11-10. Review status: criteria provided, single submitter. Criteria: Invitae Variant Classification Sherloc (09022015). Collection method: clinical testing. Allele origin: germline.
Comment: This sequence change replaces glycine, which is neutral and non-polar, with glutamic acid, which is acidic and polar, at codon 428 of the ALK protein (p.Gly428Glu). This variant is present in population databases (rs372472978, gnomAD 0.0009%). This variant has not been reported in the literature in individuals affected with ALK-related conditions. ClinVar contains an entry for this variant (Variation ID: 1970141). An algorithm developed to predict the effect of missense changes on protein structure and function (PolyPhen-2) suggests that this variant is likely to be disruptive. In summary, the available evidence is currently insufficient to determine the role of this variant in disease. Therefore, it has been classified as a Variant of Uncertain Significance.

Ambry Genetics
Classification: Uncertain significance for Hereditary cancer-predisposing syndrome. Last evaluated: 2023-12-04. Review status: criteria provided, single submitter. Criteria: Ambry Variant Classification Scheme 2023. Collection method: clinical testing. Allele origin: germline.
Comment: The p.G428E variant (also known as c.1283G>A) is located in coding exon 6 of the ALK gene. The glycine at codon 428 is replaced by glutamic acid, an amino acid with similar properties. This change occurs in the first base pair of coding exon 6. This amino acid position is conserved. In addition, the in silico prediction for this alteration is inconclusive. Since supporting evidence is limited at this time, the clinical significance of this alteration remains unclear.